The following is an entry in ClinVar:

NM_001031710.3(KLHL7):c.1519G>A (p.Glu507Lys)

Gene: KLHL7 (kelch like family member 7; plus strand). Cytogenetic location: 7p15.3.
Variant type: single nucleotide variant.
Coding change: c.1519G>A on transcript NM_001031710.3 (MANE Select); coding-DNA position 1519, G replaced by A.
Protein change: p.Glu507Lys; replaces glutamic acid 507 with lysine.
Molecular consequence: missense variant. On other transcripts: non-coding transcript variant (1).
Genome position (GRCh38, 1-based): chr7:23,174,056, G>A. VCF-style: chr7-23174056-G-A. GRCh37 (hg19) VCF-style: chr7-23213675-G-A.
Other names: c.1375G>A, p.Glu459Lys (NM_018846.5); short protein forms E507K, E459K.
Identifiers: ClinVar variation 1461845 (VCV001461845.9), dbSNP rs1288384106, ClinGen allele CA366982436.

ClinVar aggregate classification (germline): Uncertain significance. Review status: criteria provided, multiple submitters, no conflicts (2 of 4 stars). 2 submissions from 2 submitters: Uncertain significance (2). Last evaluated 2024-11-20.

Allele frequency attached by ClinVar (database versions not stated): gnomAD exomes below 0.00001; TOPMed 0.00001; gnomAD 0.00002.
gnomAD v4.1: 5 of 1,613,998 alleles (0.00031%); highest among the groups gnomAD compares: South Asian, 0.0011%; no homozygotes.

Submissions (2):

Blueprint Genetics
Classification: Uncertain significance. Last evaluated: 2024-11-20. Review status: criteria provided, single submitter. Criteria: ACMG Guidelines, 2015. Collection method: clinical testing. Allele origin: germline.

Labcorp Genetics (formerly Invitae), Labcorp
Classification: Uncertain significance. Last evaluated: 2022-07-19. Review status: criteria provided, single submitter. Criteria: Invitae Variant Classification Sherloc (09022015). Collection method: clinical testing. Allele origin: germline.
Comment: ClinVar contains an entry for this variant (Variation ID: 1461845). This variant has not been reported in the literature in individuals affected with KLHL7-related conditions. This variant is present in population databases (no rsID available, gnomAD 0.03%). This sequence change replaces glutamic acid, which is acidic and polar, with lysine, which is basic and polar, at codon 507 of the KLHL7 protein (p.Glu507Lys). Algorithms developed to predict the effect of missense changes on protein structure and function are either unavailable or do not agree on the potential impact of this missense change (SIFT: "Deleterious"; PolyPhen-2: "Benign"; Align-GVGD: "Class C55"). In summary, the available evidence is currently insufficient to determine the role of this variant in disease. Therefore, it has been classified as a Variant of Uncertain Significance.